The following is an entry in ClinVar:

ClinVar aggregate classification (germline): Pathogenic (0 of 4 stars; one submission).

Conditions:
Holoprosencephaly 9 (HPE9). Also called: HOLOPROSENCEPHALY WITH MICROPHTHALMIA AND FIRST BRANCHIAL ARCH ANOMALIES; PITUITARY ANOMALIES WITH HOLOPROSENCEPHALY-LIKE FEATURES. Identifiers: Orphanet 2162, MedGen C1835819, MONDO:0012563, OMIM 610829.

Submission:

Baylor Genetics
Classification: Pathogenic for Holoprosencephaly 9. Last evaluated: 2016-05-01. Review status: no assertion criteria provided. Collection method: clinical testing. Allele origin: de novo. Inheritance: Autosomal dominant inheritance. Affected: yes.

NM_001374353.1(GLI2):c.3210dup (p.Thr1071fs)

Gene: GLI2 (GLI family zinc finger 2; plus strand). Cytogenetic location: 2q14.2.
Variant type: Duplication.
Coding change: c.3210dup on transcript NM_001374353.1 (MANE Select); coding-DNA position 3210, one base duplicated (C; older notation c.3210dupC).
Protein change: p.Thr1071fs; shifts the reading frame from threonine 1071.
Molecular consequence: frameshift variant.
Genome position (GRCh38, 1-based): chr2:120,989,175, C duplicated; the last of 3 consecutive C bases (chr2:120,989,173-120,989,175); duplicating any one gives the same sequence. VCF-style (leftmost placement, unchanged base first): chr2-120989172-T-TC. GRCh37 (hg19) VCF-style: chr2-121746748-T-TC.
Other names: c.3261dup, p.Thr1088fs (NM_001371271.1, NM_005270.5); c.2835dup, p.Thr946fs (NM_001374354.1); c.3261dupC (NM_005270.4); short protein forms T946fs, T1088fs, T1071fs.
Identifiers: ClinVar variation 374313 (VCV000374313.1), dbSNP rs1057518689, ClinGen allele CA16043647.